The following is an entry in ClinVar:

ClinVar aggregate classification (germline): Pathogenic (1 of 4 stars; one submission).

Conditions:
Familial thoracic aortic aneurysm and aortic dissection (TAAD). Also called: Thoracic aortic aneurysms and dissections. Identifiers: Orphanet 91387, MedGen C4707243, MONDO:0019625.
Hereditary cancer-predisposing syndrome. Also called: Hereditary Cancer Syndrome; Neoplastic Syndromes, Hereditary; Hereditary neoplastic syndrome; Tumor predisposition. Identifiers: Orphanet 140162, MedGen C0027672, MeSH D009386, MONDO:0015356.

Submission:

Ambry Genetics
Classification: Pathogenic for Hereditary cancer-predisposing syndrome; Familial thoracic aortic aneurysm and aortic dissection. Last evaluated: 2019-02-22. Review status: criteria provided, single submitter. Criteria: Ambry Variant Classification Scheme 2023. Collection method: clinical testing. Allele origin: germline.
Comment: The c.1361_1364delCACA variant, located in coding exon 10 of the SMAD4 gene, results from a deletion of 4 nucleotides at nucleotide positions 1361 to 1364, causing a translational frameshift with a predicted alternate stop codon (p.A454Efs*21). This alteration was identified in an indivIdual who met the clinical diagnostic criteria for JPS (Pyatt RE et al. J Mol Diagn, 2006 Feb;8:84-8). This alteration is expected to result in loss of function by premature protein truncation or nonsense-mediated mRNA decay. As such, this alteration is interpreted as a disease-causing mutation.

NM_005359.6(SMAD4):c.1361_1364del (p.Ala454fs)

Gene: SMAD4 (SMAD family member 4; plus strand). Cytogenetic location: 18q21.2.
Variant type: Deletion.
Coding change: c.1361_1364del on transcript NM_005359.6 (MANE Select); coding-DNA positions 1361 to 1364, 4 bases deleted (CACA; older notation c.1361_1364delCACA).
Protein change: p.Ala454fs; shifts the reading frame from alanine 454.
Molecular consequence: frameshift variant.
Genome position (GRCh38, 1-based): chr18:51,076,690-51,076,693, CACA deleted. VCF-style (leftmost placement, unchanged base first): chr18-51076689-GCACA-G. GRCh37 (hg19) VCF-style: chr18-48603059-GCACA-G.
Other names: c.1361_1364delCACA (NM_005359.5); short protein forms A454fs.
Identifiers: ClinVar variation 24853 (VCV000024853.7), dbSNP rs377767363, ClinGen allele CA259239.